The following is an entry in ClinVar:

NM_014233.4(UBTF):c.2217G>A (p.Glu739=)

Genes: ATXN7L3-AS1 (ATXN7L3 antisense RNA 1; plus strand), UBTF (upstream binding transcription factor; minus strand). Cytogenetic location: 17q21.31.
Variant type: single nucleotide variant.
Coding change: c.2217G>A on transcript NM_014233.4 (MANE Select); coding-DNA position 2217, G replaced by A.
Protein change: p.Glu739=; no amino-acid change (glutamic acid 739 retained).
Molecular consequence: synonymous variant. On other transcripts: non-coding transcript variant (1).
Genome position (GRCh38, 1-based): chr17:44,207,320, C>T on the plus strand (G>A on the coding strand, the complement: UBTF is on the minus strand). VCF-style: chr17-44207320-C-T. GRCh37 (hg19) VCF-style: chr17-42284688-C-T.
Other names: c.2106G>A, p.Glu702= (NM_001076683.2, NM_001076684.3).
Identifiers: ClinVar variation 5039358 (VCV005039358.1).

ClinVar aggregate classification (germline): Likely benign (1 of 4 stars; one submission).

gnomAD v4.1: 12 of 1,612,516 alleles (0.00074%); highest among the groups gnomAD compares: South Asian, 0.0011%; no homozygotes.

Submission:

CeGaT Center for Human Genetics Tuebingen
Classification: Likely benign. Last evaluated: 2026-07-01. Review status: criteria provided, single submitter. Criteria: CeGaT Center For Human Genetics Tuebingen Variant Classification Criteria Version 2. Collection method: clinical testing. Allele origin: germline. Affected: yes. Observed: 1 variant allele.
Comment: UBTF: BP4, BP7